The following is an entry in ClinVar:

ClinVar aggregate classification (germline): Uncertain significance (1 of 4 stars; one submission).

Submission:

Labcorp Genetics (formerly Invitae), Labcorp
Classification: Uncertain significance. Last evaluated: 2024-02-01. Review status: criteria provided, single submitter. Criteria: Invitae Variant Classification Sherloc (09022015). Collection method: clinical testing. Allele origin: germline.
Comment: This sequence change replaces serine, which is neutral and polar, with isoleucine, which is neutral and non-polar, at codon 942 of the NEFH protein (p.Ser942Ile). This variant is not present in population databases (gnomAD no frequency). This variant has not been reported in the literature in individuals affected with NEFH-related conditions. Advanced modeling of protein sequence and biophysical properties (such as structural, functional, and spatial information, amino acid conservation, physicochemical variation, residue mobility, and thermodynamic stability) performed at Invitae indicates that this missense variant is not expected to disrupt NEFH protein function with a negative predictive value of 95%. In summary, the available evidence is currently insufficient to determine the role of this variant in disease. Therefore, it has been classified as a Variant of Uncertain Significance.

NM_021076.4(NEFH):c.2825G>T (p.Ser942Ile)

Gene: NEFH (neurofilament heavy chain; plus strand). Cytogenetic location: 22q12.2.
Variant type: single nucleotide variant.
Coding change: c.2825G>T on transcript NM_021076.4 (MANE Select); coding-DNA position 2825, G replaced by T.
Protein change: p.Ser942Ile; replaces serine 942 with isoleucine.
Molecular consequence: missense variant.
Genome position (GRCh38, 1-based): chr22:29,490,465, G>T. VCF-style: chr22-29490465-G-T. GRCh37 (hg19) VCF-style: chr22-29886454-G-T.
Other names: short protein forms S942I.
Identifiers: ClinVar variation 3637765 (VCV003637765.2).